The following is an entry in ClinVar:

ClinVar aggregate classification (germline): Pathogenic. Review status: criteria provided, multiple submitters, no conflicts (2 of 4 stars). 4 submissions from 4 submitters: Pathogenic (3). 1 of the submissions does not count toward it. Last evaluated 2025-05-27.

Conditions:
Familial hypocalciuric hypercalcemia 1. Also called: Hypercalcemia, familial benign type 1. Identifiers: Orphanet 405, Orphanet 93372, MedGen C0342637, MONDO:0007791, OMIM 145980.
Autosomal dominant hypocalcemia 1 (HYPOC1). Also called: HYPOCALCEMIA, FAMILIAL. Identifiers: MedGen C3715128, MONDO:0011013, OMIM 601198.
Epilepsy, idiopathic generalized, susceptibility to, 8. Identifiers: MedGen C2752062, MONDO:0013032, OMIM 612899.
Neonatal severe primary hyperparathyroidism. Identifiers: Orphanet 417, MedGen C1832615, MONDO:0009397, OMIM 239200.
Familial hypocalciuric hypercalcemia (FHH). Also called: Familial benign hypercalcemia. Identifiers: Orphanet 405, MedGen C1809471, MONDO:0018458.

gnomAD v4.1: 2 of 1,614,176 alleles (0.00012%); highest among the groups gnomAD compares: South Asian, 0.0011%; no homozygotes.

Submissions (4):

Labcorp Genetics (formerly Invitae), Labcorp
Classification: Pathogenic for Familial hypocalciuric hypercalcemia; Autosomal dominant hypocalcemia 1. Last evaluated: 2025-05-27. Review status: criteria provided, single submitter. Criteria: Invitae Variant Classification Sherloc (09022015). Collection method: clinical testing. Allele origin: germline.
Comment: This sequence change creates a premature translational stop signal (p.Arg185*) in the CASR gene. It is expected to result in an absent or disrupted protein product. Loss-of-function variants in CASR are known to be pathogenic (PMID: 11807402, 14985373, 22422767). This variant is not present in population databases (gnomAD no frequency). This premature translational stop signal has been observed in individual(s) with neonatal severe hyperparathyroidism (PMID: 9253359). ClinVar contains an entry for this variant (Variation ID: 8345). For these reasons, this variant has been classified as Pathogenic.

Fulgent Genetics
Classification: Pathogenic for Familial hypocalciuric hypercalcemia 1; Neonatal severe primary hyperparathyroidism; Autosomal dominant hypocalcemia 1; Epilepsy, idiopathic generalized, susceptibility to, 8. Last evaluated: 2024-06-15. Review status: criteria provided, single submitter. Criteria: ACMG Guidelines, 2015. Collection method: clinical testing. Allele origin: germline.

Women's Health and Genetics/Laboratory Corporation of America, LabCorp
Classification: Pathogenic for Neonatal severe primary hyperparathyroidism. Last evaluated: 2022-01-13. Review status: criteria provided, single submitter. Criteria: LabCorp Variant Classification Summary - May 2015. Collection method: clinical testing. Allele origin: germline.
Comment: Variant summary: CASR c.553C>T (p.Arg185X) results in a premature termination codon, predicted to cause a truncation of the encoded protein or absence of the protein due to nonsense mediated decay, which are commonly known mechanisms for disease. This variant is also known as c.556C>T. Truncations downstream of this position have been classified as pathogenic by our laboratory. The variant was absent in 251248 control chromosomes (gnomAD). c.553C>T has been reported in the literature in a compound heterozygous individual affected Neonatal Severe Hyperparathyroidism (Kobayashi_1997). To our knowledge, no experimental evidence demonstrating an impact on protein function has been reported. One clinical diagnostic laboratory has submitted clinical-significance assessments for this variant to ClinVar after 2014 and classified the variant as pathogenic. Based on the evidence outlined above, the variant was classified as pathogenic.

OMIM
Classification: Pathogenic for HYPERPARATHYROIDISM, NEONATAL SEVERE. Last evaluated: 1997-08-01. Review status: no assertion criteria provided. Collection method: literature only. Allele origin: germline. Not counted in ClinVar's aggregate classification.

Literature cited by the submitters: PubMed 11807402 (cited by Labcorp Genetics (formerly Invitae), Labcorp); PubMed 14985373 (cited by Labcorp Genetics (formerly Invitae), Labcorp); PubMed 22422767 (cited by Labcorp Genetics (formerly Invitae), Labcorp); PubMed 9253359 (cited by 3 submitters).

NM_000388.4(CASR):c.553C>T (p.Arg185Ter)

Gene: CASR (calcium sensing receptor; plus strand). Cytogenetic location: 3q21.1.
Variant type: single nucleotide variant.
Coding change: c.553C>T on transcript NM_000388.4 (MANE Select); coding-DNA position 553, C replaced by T.
Protein change: p.Arg185Ter; replaces arginine 185 with a stop codon.
Molecular consequence: nonsense.
Genome position (GRCh38, 1-based): chr3:122,261,588, C>T. VCF-style: chr3-122261588-C-T. GRCh37 (hg19) VCF-style: chr3-121980435-C-T.
Other names: c.553C>T, p.Arg185Ter (NM_001178065.2); short protein forms R185*.
Identifiers: ClinVar variation 8345 (VCV000008345.13), dbSNP rs104893707, ClinGen allele CA119523.
Genomic context (GRCh38, chr3:122,261,588, plus strand): 5'-GTCAGTTATGCCTCCTCCAGCAGACTCCTCAGCAACAAGAATCAATTCAAGTCTTTCCTC[C>T]GAACCATCCCCAATGATGAGCACCAGGCCACTGCCATGGCAGACATCATCGAGTATTTCC-3'